The following is an entry in ClinVar:

NM_000038.6(APC):c.796G>T (p.Val266Leu)

Gene: APC (APC regulator of Wnt signaling pathway; plus strand). Cytogenetic location: 5q22.2.
Variant type: single nucleotide variant.
Coding change: c.796G>T on transcript NM_000038.6 (MANE Select); coding-DNA position 796, G replaced by T.
Protein change: p.Val266Leu; replaces valine 266 with leucine.
Molecular consequence: missense variant. On other transcripts: 5 prime UTR variant (4), non-coding transcript variant (2).
Genome position (GRCh38, 1-based): chr5:112,801,345, G>T. VCF-style: chr5-112801345-G-T. GRCh37 (hg19) VCF-style: chr5-112137042-G-T.
Other names: c.796G>T, p.Val266Leu (NM_001127510.3, NM_001354895.2, NM_001354896.2 and 12 more transcripts); c.742G>T, p.Val248Leu (NM_001127511.3); c.826G>T, p.Val276Leu (NM_001354897.2, NM_001354902.2, NM_001407446.1); c.721G>T, p.Val241Leu (NM_001354898.2, NM_001354904.2, NM_001407451.1); c.712G>T, p.Val238Leu (NM_001354899.2, NM_001407452.1, NM_001407467.1 and 1 more transcripts); c.619G>T, p.Val207Leu (NM_001354900.2, NM_001354901.2, NM_001354905.2 and 1 more transcripts); c.-240G>T (NM_001354906.2, NM_001407470.1, NM_001407471.1 and 1 more transcripts); short protein forms V207L, V248L, V241L, V276L, V238L, V266L.
Identifiers: ClinVar variation 3304100 (VCV003304100.1).

ClinVar aggregate classification (germline): Uncertain significance (1 of 4 stars; one submission).

Conditions:
Hereditary cancer-predisposing syndrome. Also called: Tumor predisposition; Hereditary Cancer Syndrome; Hereditary neoplastic syndrome; Neoplastic Syndromes, Hereditary. Identifiers: Orphanet 140162, MedGen C0027672, MeSH D009386, MONDO:0015356.

Submission:

Ambry Genetics
Classification: Uncertain significance for Hereditary cancer-predisposing syndrome. Last evaluated: 2024-04-02. Review status: criteria provided, single submitter. Criteria: Ambry Variant Classification Scheme 2023. Collection method: clinical testing. Allele origin: germline.
Comment: The p.V266L variant (also known as c.796G>T), located in coding exon 7 of the APC gene, results from a G to T substitution at nucleotide position 796. The valine at codon 266 is replaced by leucine, an amino acid with highly similar properties. This amino acid position is not well conserved in available vertebrate species. In addition, in silico predictors for this gene do not accurately predict pathogenicity. Based on the available evidence, the clinical significance of this alteration remains unclear.